The following is an entry in ClinVar:

NM_022041.4(GAN):c.282+2T>A

Gene: GAN (gigaxonin; plus strand). Cytogenetic location: 16q23.2.
Variant type: single nucleotide variant.
Coding change: c.282+2T>A on transcript NM_022041.4 (MANE Select); the canonical splice donor site of the intron after coding-DNA position 282, T replaced by A.
Molecular consequence: splice donor variant. On other transcripts: intron variant (1).
Genome position (GRCh38, 1-based): chr16:81,351,699, T>A. VCF-style: chr16-81351699-T-A. GRCh37 (hg19) VCF-style: chr16-81385304-T-A.
Other names: c.-357-2706T>A (NM_001377486.1).
Identifiers: ClinVar variation 2769785 (VCV002769785.3), dbSNP rs2507724270, ClinGen allele CA396866143.

ClinVar aggregate classification (germline): Likely pathogenic (1 of 4 stars; one submission).

Conditions:
Giant axonal neuropathy 1 (GAN1). Also called: GIANT AXONAL NEUROPATHY 1, AUTOSOMAL RECESSIVE; GAN-Related Neurodegeneration. Identifiers: Orphanet 643, MedGen C1850386, MONDO:0009749, OMIM 256850.

Submission:

Labcorp Genetics (formerly Invitae), Labcorp
Classification: Likely pathogenic for Giant axonal neuropathy 1. Last evaluated: 2023-10-18. Review status: criteria provided, single submitter. Criteria: Invitae Variant Classification Sherloc (09022015). Collection method: clinical testing. Allele origin: germline.
Comment: This sequence change affects a donor splice site in intron 2 of the GAN gene. It is expected to disrupt RNA splicing. Variants that disrupt the donor or acceptor splice site typically lead to a loss of protein function (PMID: 16199547), and loss-of-function variants in GAN are known to be pathogenic (PMID: 12655563, 14718689, 23890932). This variant is not present in population databases (gnomAD no frequency). This variant has not been reported in the literature in individuals affected with GAN-related conditions. Algorithms developed to predict the effect of sequence changes on RNA splicing suggest that this variant may disrupt the consensus splice site. In summary, the currently available evidence indicates that the variant is pathogenic, but additional data are needed to prove that conclusively. Therefore, this variant has been classified as Likely Pathogenic.

Literature cited by the submitters: PubMed 16199547; PubMed 12655563; PubMed 14718689; PubMed 23890932.